The following is an entry in ClinVar:

NM_003850.3(SUCLA2):c.132A>C (p.Gln44His)

Gene: SUCLA2 (succinate-CoA ligase ADP-forming subunit beta; minus strand). Cytogenetic location: 13q14.2.
Variant type: single nucleotide variant.
Coding change: c.132A>C on transcript NM_003850.3 (MANE Select); coding-DNA position 132, A replaced by C.
Protein change: p.Gln44His; replaces glutamine 44 with histidine.
Molecular consequence: missense variant.
Genome position (GRCh38, 1-based): chr13:47,996,982, T>G on the plus strand (A>C on the coding strand, the complement: SUCLA2 is on the minus strand). VCF-style: chr13-47996982-T-G. GRCh37 (hg19) VCF-style: chr13-48571117-T-G.
Other names: c.132A>C (NM_003850.2); short protein forms Q44H.
Identifiers: ClinVar variation 1395432 (VCV001395432.5), dbSNP rs146794237, ClinGen allele CA6978080.

ClinVar aggregate classification (germline): Uncertain significance. Review status: criteria provided, multiple submitters, no conflicts (2 of 4 stars). 2 submissions from 2 submitters: Uncertain significance (2). Last evaluated 2023-10-25.

Conditions:
Mitochondrial DNA depletion syndrome, encephalomyopathic form with methylmalonic aciduria (MTDPS5). Also called: SUCLA2-Related Mitochondrial DNA Depletion Syndrome, Encephalomyopathic Form with Methylmalonic Aciduria; Mitochondrial encephalomyopathy aminoacidopathy; MITOCHONDRIAL DNA DEPLETION SYNDROME, ENCEPHALOMYOPATHIC FORM, WITH OR WITHOUT METHYLMALONIC ACIDURIA, AUTOSOMAL RECESSIVE, SUCLA2-RELATED; Mitochondrial DNA depletion syndrome 5 (encephalomyopathic with or without methylmalonic aciduria). Identifiers: Orphanet 1933, MedGen C5980207, MONDO:0012791, OMIM 612073.

Allele frequency attached by ClinVar (database versions not stated): ExAC 0.00003; gnomAD exomes 0.00003 and 0.00004; gnomAD 0.00004; TOPMed 0.00006; ESP Exome Variant Server 0.00008.
gnomAD v4.1: 47 of 1,614,032 alleles (0.0029%); highest among the groups gnomAD compares: Admixed American, 0.01%; no homozygotes.

Submissions (2):

Baylor Genetics
Classification: Uncertain significance for Mitochondrial DNA depletion syndrome, encephalomyopathic form with methylmalonic aciduria. Last evaluated: 2023-10-25. Review status: criteria provided, single submitter. Criteria: ACMG Guidelines, 2015. Collection method: clinical testing. Allele origin: unknown.

Labcorp Genetics (formerly Invitae), Labcorp
Classification: Uncertain significance for Mitochondrial DNA depletion syndrome, encephalomyopathic form with methylmalonic aciduria. Last evaluated: 2021-08-31. Review status: criteria provided, single submitter. Criteria: Invitae Variant Classification Sherloc (09022015). Collection method: clinical testing. Allele origin: germline.
Comment: This sequence change replaces glutamine with histidine at codon 44 of the SUCLA2 protein (p.Gln44His). The glutamine residue is highly conserved and there is a small physicochemical difference between glutamine and histidine. This variant is present in population databases (rs146794237, ExAC 0.02%). This variant has not been reported in the literature in individuals affected with SUCLA2-related conditions. Algorithms developed to predict the effect of missense changes on protein structure and function (SIFT, PolyPhen-2, Align-GVGD) all suggest that this variant is likely to be tolerated. In summary, the available evidence is currently insufficient to determine the role of this variant in disease. Therefore, it has been classified as a Variant of Uncertain Significance.